The following is an entry in ClinVar:

ClinVar aggregate classification (germline): Uncertain significance (1 of 4 stars; one submission).

Conditions:
Hereditary cancer-predisposing syndrome. Also called: Neoplastic Syndromes, Hereditary; Tumor predisposition; Hereditary Cancer Syndrome; Hereditary neoplastic syndrome. Identifiers: Orphanet 140162, MedGen C0027672, MeSH D009386, MONDO:0015356.

Submission:

Ambry Genetics
Classification: Uncertain significance for Hereditary cancer-predisposing syndrome. Last evaluated: 2024-06-25. Review status: criteria provided, single submitter. Criteria: Ambry Variant Classification Scheme 2023. Collection method: clinical testing. Allele origin: germline.
Comment: The p.F61Y variant (also known as c.182T>A), located in coding exon 3 of the RAD51D gene, results from a T to A substitution at nucleotide position 182. The phenylalanine at codon 61 is replaced by tyrosine, an amino acid with highly similar properties. This amino acid position is conserved. In addition, this alteration is predicted to be tolerated by in silico analysis. Based on the available evidence, the clinical significance of this variant remains unclear.

NM_002878.4(RAD51D):c.182T>A (p.Phe61Tyr)

Genes: RAD51L3-RFFL (RAD51L3-RFFL readthrough; minus strand), RAD51D (RAD51 paralog D; minus strand). Cytogenetic location: 17q12.
Variant type: single nucleotide variant.
Coding change: c.182T>A on transcript NM_002878.4 (MANE Select); coding-DNA position 182, T replaced by A.
Protein change: p.Phe61Tyr; replaces phenylalanine 61 with tyrosine.
Molecular consequence: missense variant. On other transcripts: intron variant (2).
Genome position (GRCh38, 1-based): chr17:35,118,582, A>T on the plus strand (T>A on the coding strand, the complement: RAD51D is on the minus strand). VCF-style: chr17-35118582-A-T. GRCh37 (hg19) VCF-style: chr17-33445601-A-T.
Other names: c.144+529T>A (NM_133629.3, NM_001142571.2); short protein forms F61Y.
Identifiers: ClinVar variation 3429740 (VCV003429740.1).